The following is an entry in ClinVar:

ClinVar aggregate classification (germline): Uncertain significance (1 of 4 stars; one submission).

gnomAD v4.1: 4 of 1,613,882 alleles (0.00025%); highest among the groups gnomAD compares: Non-Finnish European, 0.00034%; no homozygotes.

Submission:

Labcorp Genetics (formerly Invitae), Labcorp
Classification: Uncertain significance. Last evaluated: 2024-12-15. Review status: criteria provided, single submitter. Criteria: Invitae Variant Classification Sherloc (09022015). Collection method: clinical testing. Allele origin: germline.
Comment: This sequence change replaces serine, which is neutral and polar, with alanine, which is neutral and non-polar, at codon 583 of the ALPK3 protein (p.Ser583Ala). This variant is present in population databases (no rsID available, gnomAD 0.0009%). This variant has not been reported in the literature in individuals affected with ALPK3-related conditions. An algorithm developed to predict the effect of missense changes on protein structure and function (PolyPhen-2) suggests that this variant is likely to be tolerated. In summary, the available evidence is currently insufficient to determine the role of this variant in disease. Therefore, it has been classified as a Variant of Uncertain Significance.

NM_020778.5(ALPK3):c.1141T>G (p.Ser381Ala)

Gene: ALPK3 (alpha kinase 3; plus strand). Cytogenetic location: 15q25.3.
Variant type: single nucleotide variant.
Coding change: c.1141T>G on transcript NM_020778.5 (MANE Select); coding-DNA position 1141, T replaced by G.
Protein change: p.Ser381Ala; replaces serine 381 with alanine.
Molecular consequence: missense variant.
Genome position (GRCh38, 1-based): chr15:84,840,420, T>G. VCF-style: chr15-84840420-T-G. GRCh37 (hg19) VCF-style: chr15-85383651-T-G.
Other names: short protein forms S381A.
Identifiers: ClinVar variation 3640351 (VCV003640351.2).